The following is an entry in ClinVar:

NM_080680.3(COL11A2):c.3050C>T (p.Pro1017Leu)

Gene: COL11A2 (collagen type XI alpha 2 chain; minus strand). Cytogenetic location: 6p21.32.
Variant type: single nucleotide variant.
Coding change: c.3050C>T on transcript NM_080680.3 (MANE Select); coding-DNA position 3050, C replaced by T.
Protein change: p.Pro1017Leu; replaces proline 1017 with leucine.
Molecular consequence: missense variant.
Genome position (GRCh38, 1-based): chr6:33,171,813, G>A on the plus strand (C>T on the coding strand, the complement: COL11A2 is on the minus strand). VCF-style: chr6-33171813-G-A. GRCh37 (hg19) VCF-style: chr6-33139590-G-A.
Other names: c.2870C>T, p.Pro957Leu (NM_001424108.1); c.2204C>T, p.Pro735Leu (NM_001424109.1); c.2024C>T, p.Pro675Leu (NM_001424110.1, NM_001424111.1); c.1004C>T, p.Pro335Leu (NM_001424112.1); c.2729C>T, p.Pro910Leu (NM_080679.3); c.2792C>T, p.Pro931Leu (NM_080681.3); short protein forms P1017L, P675L, P931L, P910L, P335L, P735L, P957L.
Identifiers: ClinVar variation 3630778 (VCV003630778.2).

ClinVar aggregate classification (germline): Uncertain significance (1 of 4 stars; one submission).

Submission:

Labcorp Genetics (formerly Invitae), Labcorp
Classification: Uncertain significance. Last evaluated: 2024-04-29. Review status: criteria provided, single submitter. Criteria: Invitae Variant Classification Sherloc (09022015). Collection method: clinical testing. Allele origin: germline.
Comment: This sequence change replaces proline, which is neutral and non-polar, with leucine, which is neutral and non-polar, at codon 1017 of the COL11A2 protein (p.Pro1017Leu). This variant is not present in population databases (gnomAD no frequency). This variant has not been reported in the literature in individuals affected with COL11A2-related conditions. Advanced modeling of protein sequence and biophysical properties (such as structural, functional, and spatial information, amino acid conservation, physicochemical variation, residue mobility, and thermodynamic stability) performed at Invitae indicates that this missense variant is not expected to disrupt COL11A2 protein function with a negative predictive value of 95%. In summary, the available evidence is currently insufficient to determine the role of this variant in disease. Therefore, it has been classified as a Variant of Uncertain Significance.